The following is an entry in ClinVar:

NM_001270974.2(HYDIN):c.8645A>G (p.Asn2882Ser)

Gene: HYDIN (HYDIN axonemal central pair apparatus protein; minus strand). Cytogenetic location: 16q22.2.
Variant type: single nucleotide variant.
Coding change: c.8645A>G on transcript NM_001270974.2 (MANE Select); coding-DNA position 8645, A replaced by G.
Protein change: p.Asn2882Ser; replaces asparagine 2882 with serine.
Molecular consequence: missense variant.
Genome position (GRCh38, 1-based): chr16:70,903,936, T>C on the plus strand (A>G on the coding strand, the complement: HYDIN is on the minus strand). VCF-style: chr16-70903936-T-C. GRCh37 (hg19) VCF-style: chr16-70937839-T-C.
Other names: short protein forms N2882S.
Identifiers: ClinVar variation 2646734 (VCV002646734.24), dbSNP rs773957963, ClinGen allele CA8149722.
Genomic context (GRCh38, chr16:70,903,936, plus strand): 5'-CCTGGTGACTTGTGTCCACATGACCGTACCTGCTTCTCATTGGGTTTCAGGACCATGGTG[T>C]TGGGTTCCAGGAAGTACGTGTTTGCTTTGACATCATTCTGAAAATAGAAGGATGCCTCCA-3'
Protein context (NP_001257903.1, residues 2872-2892): VKANTYFLEP[Asn2882Ser]TMVLKPNEKQ

ClinVar aggregate classification (germline): Likely benign (1 of 4 stars; one submission).

Allele frequency attached by ClinVar (database versions not stated): 1000 Genomes Project 30x 0.00016; ExAC 0.00136.

Submission:

CeGaT Center for Human Genetics Tuebingen
Classification: Likely benign. Last evaluated: 2023-07-01. Review status: criteria provided, single submitter. Criteria: CeGaT Center For Human Genetics Tuebingen Variant Classification Criteria Version 2. Collection method: clinical testing. Allele origin: germline. Affected: yes. Observed: 1 variant allele.
Comment: HYDIN: BP4